The following is an entry in ClinVar:

ClinVar aggregate classification (germline): Benign/Likely benign. Review status: criteria provided, multiple submitters, no conflicts (2 of 4 stars). 2 submissions from 2 submitters: Benign (1); Likely benign (1). Last evaluated 2022-05-01.

Allele frequency attached by ClinVar (database versions not stated): gnomAD exomes 0.00032 and 0.00045; TOPMed 0.00048; ExAC 0.00365.

Submissions (2):

CeGaT Center for Human Genetics Tuebingen
Classification: Benign. Last evaluated: 2022-05-01. Review status: criteria provided, single submitter. Criteria: CeGaT Center For Human Genetics Tuebingen Variant Classification Criteria Version 2. Collection method: clinical testing. Allele origin: germline. Affected: yes. Observed: 1 variant allele.
Comment: SHANK3: BS1, BS2

GeneDx
Classification: Likely benign. Last evaluated: 2021-04-06. Review status: criteria provided, single submitter. Criteria: GeneDx Variant Classification Process June 2021. Collection method: clinical testing. Allele origin: germline. Affected: yes.
Comment: This variant is associated with the following publications: (PMID: 29808791, 22558107, 23769996)

NM_001372044.2(SHANK3):c.1530-282G>T

Gene: SHANK3 (SH3 and multiple ankyrin repeat domains 3; plus strand). Cytogenetic location: 22q13.33.
Variant type: single nucleotide variant.
Coding change: c.1530-282G>T on transcript NM_001372044.2 (MANE Select); 282 bases into the intron before coding-DNA position 1530, G replaced by T.
Molecular consequence: intron variant.
Genome position (GRCh38, 1-based): chr22:50,697,275, G>T. VCF-style: chr22-50697275-G-T. GRCh37 (hg19) VCF-style: chr22-51135703-G-T.
Identifiers: ClinVar variation 1218419 (VCV001218419.27), dbSNP rs764284877, ClinGen allele CA10325516.